The following is an entry in ClinVar:

NM_001454.4(FOXJ1):c.649C>G (p.Pro217Ala)

Gene: FOXJ1 (forkhead box J1; minus strand). Cytogenetic location: 17q25.1.
Variant type: single nucleotide variant.
Coding change: c.649C>G on transcript NM_001454.4 (MANE Select); coding-DNA position 649, C replaced by G.
Protein change: p.Pro217Ala; replaces proline 217 with alanine.
Molecular consequence: missense variant.
Genome position (GRCh38, 1-based): chr17:76,137,970, G>C on the plus strand (C>G on the coding strand, the complement: FOXJ1 is on the minus strand). VCF-style: chr17-76137970-G-C. GRCh37 (hg19) VCF-style: chr17-74134051-G-C.
Other names: short protein forms P217A.
Identifiers: ClinVar variation 4983527 (VCV004983527.1).
Genomic context (GRCh38, chr17:76,137,970, plus strand): 5'-GGGGGACAGCGCTGGGCTCCTGCGCGGCCTGGCGGGCAAAGGCTGGGTGGATGTGGACAG[G>C]GGGCAGTCGCCGCTTCTTGAAAGCGCCGCTCAGTAGCCGCTCCGCGTACTGGGGGTCAAT-3'
Protein context (NP_001445.2, residues 207-227): SGAFKKRRLP[Pro217Ala]VHIHPAFARQ

ClinVar aggregate classification (germline): Uncertain significance (1 of 4 stars; one submission).

Conditions:
FOXJ1-related disorder. Also called: FOXJ1-related condition.

gnomAD v4.1: 1 of 1,599,366 alleles (0.000063%); highest among the groups gnomAD compares: South Asian, 0.0011%; no homozygotes.

Submission:

PreventionGenetics, part of Exact Sciences
Classification: Uncertain significance for FOXJ1-related condition. Last evaluated: 2026-04-13. Review status: criteria provided, single submitter. Criteria: ACMG Guidelines, 2015. Collection method: clinical testing. Allele origin: germline.
Comment: The FOXJ1 c.649C>G variant is predicted to result in the amino acid substitution p.Pro217Ala. To our knowledge, this variant has not been reported in the literature or in a large population database (gnomAD), indicating this variant is rare. At this time, the clinical significance of this variant is uncertain due to the absence of conclusive functional and genetic evidence.